The following is an entry in ClinVar:

NM_206933.4(USH2A):c.14453C>T (p.Pro4818Leu)

Gene: USH2A (usherin; minus strand). Cytogenetic location: 1q41.
Variant type: single nucleotide variant.
Coding change: c.14453C>T on transcript NM_206933.4 (MANE Select); coding-DNA position 14453, C replaced by T.
Protein change: p.Pro4818Leu; replaces proline 4818 with leucine.
Molecular consequence: missense variant.
Genome position (GRCh38, 1-based): chr1:215,648,657, G>A on the plus strand (C>T on the coding strand, the complement: USH2A is on the minus strand). VCF-style: chr1-215648657-G-A. GRCh37 (hg19) VCF-style: chr1-215821999-G-A.
Other names: c.14453C>T (NM_206933.3); short protein forms P4818L.
Identifiers: ClinVar variation 504509 (VCV000504509.39), dbSNP rs143344549, ClinGen allele CA1393019.

ClinVar aggregate classification (germline): Pathogenic/Likely pathogenic. Review status: criteria provided, multiple submitters, no conflicts (2 of 4 stars). 21 submissions from 20 submitters: Pathogenic (7); Likely pathogenic (14). Last evaluated 2026-05-08.

Conditions:
Rare genetic deafness. Identifiers: Orphanet 96210, MedGen C5680250.
Retinitis pigmentosa 39 (RP39). Identifiers: Orphanet 791, MedGen C3151138, MONDO:0013436, OMIM 613809.
Monogenic hearing loss.
Usher syndrome. Also called: Usher Syndromes; Usher's syndrome. Identifiers: Orphanet 886, MedGen CN469326, MeSH D052245, MONDO:0019501. Disease mechanism: loss of function.
Retinal dystrophy. Also called: Inherited retinal dystrophy. Identifiers: Orphanet 71862, MedGen C0854723, MeSH D058499, MONDO:0019118, HP:0000556.
USH2A-related disorder. Also called: USH2A-related disorders; USH2A-related condition. Identifiers: MedGen CN239332.
Usher syndrome type 2A. Also called: RETINAL DISEASE IN USHER SYNDROME TYPE IIA, MODIFIER OF; USHER SYNDROME, TYPE IIA. Identifiers: Orphanet 231178, Orphanet 886, MedGen C1848634, MONDO:0010169, OMIM 276901.

Allele frequency attached by ClinVar (database versions not stated): ExAC 0.00006; gnomAD exomes 0.00006; TOPMed 0.00010; gnomAD 0.00011; ESP Exome Variant Server 0.00015; 1000 Genomes Project 30x 0.00016; 1000 Genomes Project 0.00020.
gnomAD v4.1: 108 of 1,614,148 alleles (0.0067%); highest among the groups gnomAD compares: South Asian, 0.027%; no homozygotes.

Submissions 1 to 15 of 21:

PreventionGenetics, part of Exact Sciences
Classification: Pathogenic for USH2A-related condition. Last evaluated: 2026-05-08. Review status: criteria provided, single submitter. Criteria: ACMG Guidelines, 2015. Collection method: clinical testing. Allele origin: germline.
Comment: The USH2A c.14453C>T variant is predicted to result in the amino acid substitution p.Pro4818Leu. This variant has been reported in the compound heterozygous state with a protein-truncating variant in patients who presented with Usher syndrome or retinitis pigmentosa (see for example, family FRP35, Aller et al. 2006. PubMed ID: 17085681; patient RP107, Table 2, Zhao et al. 2015. PubMed ID: 25472526; patient RP690M, Table 2, Garcia-Garcia et al. 2011. PubMed ID: 22004887). This variant is reported in 0.013% of alleles in individuals of South Asian descent in gnomAD. This variant is interpreted as pathogenic.

Labcorp Genetics (formerly Invitae), Labcorp
Classification: Pathogenic. Last evaluated: 2026-01-14. Review status: criteria provided, single submitter. Criteria: Invitae Variant Classification Sherloc (09022015). Collection method: clinical testing. Allele origin: germline.
Comment: This sequence change replaces proline, which is neutral and non-polar, with leucine, which is neutral and non-polar, at codon 4818 of the USH2A protein (p.Pro4818Leu). This variant is present in population databases (rs143344549, gnomAD 0.01%). This missense change has been observed in individual(s) with Usher syndrome or retinitis pigmentosa (PMID: 17085681, 22004887, 25472526, 29899460). In at least one individual the data is consistent with being in trans (on the opposite chromosome) from a pathogenic variant. ClinVar contains an entry for this variant (Variation ID: 504509). Invitae Evidence Modeling of protein sequence and biophysical properties (such as structural, functional, and spatial information, amino acid conservation, physicochemical variation, residue mobility, and thermodynamic stability) indicates that this missense variant is expected to disrupt USH2A protein function with a positive predictive value of 95%. For these reasons, this variant has been classified as Pathogenic.

Natera, Inc.
Classification: Likely pathogenic for Usher syndrome type 2A. Last evaluated: 2025-11-10. Review status: criteria provided, single submitter. Criteria: Natera Variant Classification Schema (03/2026). Collection method: clinical testing. Allele origin: germline.
Comment: The c.14453C>T variant in USH2A is a missense variant predicted to cause substitution of proline to leucine at amino acid 4818. This variant is rare in the general population with a frequency below the threshold expected for the associated phenotype(s). This variant has been observed in one or more individuals affected with the associated recessive disease, as either homozygous or compound heterozygous with a second variant (PMID: 30081015, 37322672, 25472526, 17085681, 29899460, 35672425, 38927562). Computational prediction algorithms indicate this variant is likely to affect gene or protein function. Given the available evidence, this variant is classified as Likely Pathogenic.

GeneDx
Classification: Likely pathogenic. Last evaluated: 2025-09-04. Review status: criteria provided, single submitter. Criteria: GeneDx Variant Classification Process June 2021. Collection method: clinical testing. Allele origin: germline. Affected: yes.
Comment: In silico analysis supports that this missense variant has a deleterious effect on protein structure/function; This variant is associated with the following publications: (PMID: 37322672, 31964843, 34906470, 17085681, 30081015, 19683999, 20507924, 20591486, 25472526, 29899460, 30245926, 31589614, 34426522, 31980526, 31429209, 22004887, 38927562, 35128751, 39161163)

Genetics Laboratory, Great Ormond Street Hospital NHS Foundation Trust, North Thames Genomic Laboratory Hub
Classification: Likely pathogenic for Monogenic hearing loss. Last evaluated: 2025-08-01. Review status: criteria provided, single submitter. Criteria: ACGS Best Practice Guidelines for Variant Classification in Rare Disease 2024 v1.2. Collection method: clinical testing. Allele origin: germline. Affected: yes.
Comment: PM2_supporting, PM3_strong, PP4_supporting

Victorian Clinical Genetics Services, Murdoch Childrens Research Institute
Classification: Pathogenic for Usher syndrome type 2A. Last evaluated: 2025-07-10. Review status: criteria provided, single submitter. Criteria: ACMG Guidelines, 2015. Collection method: clinical testing. Allele origin: germline.
Comment: This variant is classified as Pathogenic. Evidence in support of pathogenic classification: Variant is present in gnomAD <0.01 for a recessive condition (v4: 108 heterozygote(s), 0 homozygote(s)); This variant has strong previous evidence of pathogenicity in unrelated individuals. This variant has been classified as likely pathogenic and pathogenic by multiple clinical laboratories (ClinVar, Deafness Variation Database). It has also been reported in many individuals with autosomal recessive retinitis pigmentosa or Usher syndrome (PMID: 22004887, 25472526, 29899460, 30081015, 32098976). Additional information: Variant is predicted to result in a missense amino acid change from proline to leucine; This variant is heterozygous; This gene is associated with autosomal recessive disease; Alternative amino acid change(s) at the same position are present in gnomAD (highest allele count: v4: 1 heterozygote(s), 0 homozygote(s)); Variant is not located in an established domain, motif, hotspot or informative constraint region; Missense variant with inconclusive in silico prediction and uninformative conservation; Loss of function is a known mechanism of disease in this gene and is associated with Usher syndrome, type 2A (MIM#276901) and retinitis pigmentosa (RP; MIM#6138093). Null variants are associated with Usher syndrome, while homozygous missense variants which lead to partially functional proteins typically cause non-syndromic RP (PMID: 20301515).

3billion
Classification: Likely pathogenic for Usher syndrome type 2A. Last evaluated: 2025-03-06. Review status: criteria provided, single submitter. Criteria: ACMG Guidelines, 2015. Collection method: clinical testing. Allele origin: germline. Affected: yes.

Revvity Omics, Revvity
Classification: Pathogenic. Last evaluated: 2025-01-06. Review status: criteria provided, single submitter. Criteria: ACMG Guidelines, 2015. Collection method: clinical testing. Allele origin: germline.

Blueprint Genetics
Classification: Pathogenic for USH2A-related disorders. Last evaluated: 2024-08-02. Review status: criteria provided, single submitter. Criteria: ACMG Guidelines, 2015. Collection method: clinical testing. Allele origin: germline. Affected: yes. Observed: 5 variant alleles.

Baylor Genetics
Classification: Likely pathogenic for Retinitis pigmentosa 39. Last evaluated: 2024-03-12. Review status: criteria provided, single submitter. Criteria: ACMG Guidelines, 2015. Collection method: clinical testing. Allele origin: unknown.

Fulgent Genetics
Classification: Pathogenic for Usher syndrome type 2A; Retinitis pigmentosa 39. Last evaluated: 2024-02-12. Review status: criteria provided, single submitter. Criteria: ACMG Guidelines, 2015. Collection method: clinical testing. Allele origin: germline.

Laboratory of Medical Genetics, National & Kapodistrian University of Athens
Classification: Likely pathogenic for Usher syndrome type 2A. Last evaluated: 2024-02-01. Review status: criteria provided, single submitter. Criteria: ACMG Guidelines, 2015. Collection method: curation. Allele origin: germline. Affected: no.

Genome-Nilou Lab
Classification: Likely pathogenic for Retinitis pigmentosa 39. Last evaluated: 2023-11-04. Review status: criteria provided, single submitter. Criteria: ACMG Guidelines, 2015. Collection method: clinical testing. Allele origin: germline. Affected: no.

Genome-Nilou Lab
Classification: Likely pathogenic for Usher syndrome type 2A. Last evaluated: 2023-11-04. Review status: criteria provided, single submitter. Criteria: ACMG Guidelines, 2015. Collection method: clinical testing. Allele origin: germline. Affected: no.

Institute of Human Genetics Munich, TUM University Hospital
Classification: Likely pathogenic for Usher syndrome type 2A. Last evaluated: 2023-10-26. Review status: criteria provided, single submitter. Criteria: Classification criteria August 2017. Collection method: clinical testing. Allele origin: inherited. Inheritance: Autosomal recessive inheritance. Affected: yes. Observed: 1 variant allele.